The following is an entry in ClinVar:

ClinVar aggregate classification (germline): Uncertain significance (1 of 4 stars; one submission).

Submission:

CeGaT Center for Human Genetics Tuebingen
Classification: Uncertain significance. Last evaluated: 2022-05-01. Review status: criteria provided, single submitter. Criteria: CeGaT Center For Human Genetics Tuebingen Variant Classification Criteria Version 2. Collection method: clinical testing. Allele origin: germline. Affected: yes. Observed: 1 variant allele.
Comment: BPTF: PM2, BP4

NM_182641.4(BPTF):c.5807C>T (p.Thr1936Ile)

Gene: BPTF (bromodomain PHD finger transcription factor; plus strand). Cytogenetic location: 17q24.2.
Variant type: single nucleotide variant.
Coding change: c.5807C>T on transcript NM_182641.4 (MANE Select); coding-DNA position 5807, C replaced by T.
Protein change: p.Thr1936Ile; replaces threonine 1936 with isoleucine.
Molecular consequence: missense variant.
Genome position (GRCh38, 1-based): chr17:67,928,410, C>T. VCF-style: chr17-67928410-C-T. GRCh37 (hg19) VCF-style: chr17-65924526-C-T.
Other names: c.6185C>T, p.Thr2062Ile (NM_004459.7); short protein forms T1936I, T2062I.
Identifiers: ClinVar variation 1694862 (VCV001694862.31), dbSNP rs775976716, ClinGen allele CA400716897.